The following is an entry in ClinVar:

ClinVar aggregate classification (germline): Pathogenic/Likely pathogenic. Review status: criteria provided, multiple submitters, no conflicts (2 of 4 stars). 4 submissions from 4 submitters: Pathogenic (3); Likely pathogenic (1). Last evaluated 2025-01-21.

Conditions:
Leukoencephalopathy with brain stem and spinal cord involvement-high lactate syndrome (LBSL). Also called: LEUKOENCEPHALOPATHY WITH BRAINSTEM AND SPINAL CORD INVOLVEMENT AND LACTATE ELEVATION, MILD; Leukoencephalopathy with Brainstem and Spinal Cord Involvement and Lactate Elevation; MITOCHONDRIAL ASPARTYL-tRNA SYNTHETASE DEFICIENCY. Identifiers: Orphanet 137898, MedGen C1970180, MONDO:0012622, OMIM 611105.

Allele frequency attached by ClinVar (database versions not stated): ExAC 0.00001; gnomAD 0.00001; gnomAD exomes 0.00001; TOPMed 0.00001.
gnomAD v4.1: 10 of 1,613,908 alleles (0.00062%); highest among the groups gnomAD compares: East Asian, 0.0022%; no homozygotes.

Submissions (4):

Broad Center for Mendelian Genomics, Broad Institute of MIT and Harvard
Classification: Pathogenic for Leukoencephalopathy with brain stem and spinal cord involvement-high lactate syndrome. Last evaluated: 2025-01-21. Review status: criteria provided, single submitter. Criteria: ACMG Guidelines, 2015. Collection method: curation. Allele origin: germline. Inheritance: Autosomal recessive inheritance.
Comment: The p.Arg188Ter variant in DARS2 has been reported, in the compound heterozygous state, in 1 individual with leukoencephalopathy with brain stem and spinal cord involvement-high lactate syndrome (PMID: 33977142), and has been identified in 0.002% (1/44882) of East Asian chromosomes by the Genome Aggregation Database (gnomAD; dbSNP rs751929342). Although this variant has been seen in the general population in the heterozygous state, its frequency is low enough to be consistent with a recessive carrier frequency. This variant has also been reported in ClinVar (Variation ID: 1256059) and has been interpreted as Pathogenic by Bruce Lefroy Centre (Murdoch Children's Research Institute). This nonsense variant leads to a premature termination codon at position 188, which is predicted to lead to a truncated or absent protein. Loss of function of the DARS2 gene is an established disease mechanism in autosomal recessive leukoencephalopathy with brain stem and spinal cord involvement-high lactate syndrome. In summary, this variant meets criteria to be classified as pathogenic for autosomal recessive leukoencephalopathy with brain stem and spinal cord involvement-high lactate syndrome. ACMG/AMP Criteria applied: PVS1, PM3, PM2_supporting (Richards 2015).

Labcorp Genetics (formerly Invitae), Labcorp
Classification: Pathogenic. Last evaluated: 2024-07-23. Review status: criteria provided, single submitter. Criteria: Invitae Variant Classification Sherloc (09022015). Collection method: clinical testing. Allele origin: germline.
Comment: This sequence change creates a premature translational stop signal (p.Arg188*) in the DARS2 gene. It is expected to result in an absent or disrupted protein product. Loss-of-function variants in DARS2 are known to be pathogenic (PMID: 17384640, 24566671). This variant is present in population databases (rs751929342, gnomAD 0.005%). This premature translational stop signal has been observed in individual(s) with DARS2-related conditions (PMID: 33977142). ClinVar contains an entry for this variant (Variation ID: 1256059). For these reasons, this variant has been classified as Pathogenic.

Neuberg Centre For Genomic Medicine, NCGM
Classification: Likely pathogenic for Leukoencephalopathy with brain stem and spinal cord involvement-high lactate syndrome. Last evaluated: 2023-06-22. Review status: criteria provided, single submitter. Criteria: ACMG Guidelines, 2015. Collection method: clinical testing. Allele origin: germline. Inheritance: Autosomal recessive inheritance. Affected: yes.
Comment: The observed stop gained c.562C>T (p.Arg188Ter) variant in DARS2 gene has not been reported previously as a pathogenic variant nor as a benign variant, to our knowledge. The p.Arg188Ter variant is present with allele frequency of 0.001% in gnomAD Exomes. This variant has been submitted to the ClinVar database as Pathogenic. Computational evidence (MutationTaster - Disease causing) predict a damaging effect on protein structure and function for this variant. The reference amio acid of p.Arg188Ter in DARS2 is predicted as conserved by GERP++ and PhyloP across 100 vertebrates. This sequence change creates a premature translational stop signal (p.Arg188Ter) in the DARS2 gene. This variant is predicted to cause loss of normal protein function through protein truncation. Loss of function variants in DARS2 gene have been previously reported to be disease causing (Stellingwerff et al., 2021). However, additional functional studies will be required to prove the pathogenicity of this variant. For these reasons, this variant has been classified as Likely Pathogenic. In absence of another reportable variant in DARS2 gene, the molecular diagnosis is ot confirmed.

Bruce Lefroy Centre, Murdoch Childrens Research Institute
Classification: Pathogenic for Leukoencephalopathy with brain stem and spinal cord involvement-high lactate syndrome. Review status: criteria provided, single submitter. Criteria: ACMG Guidelines, 2015. Collection method: research. Allele origin: maternal. Inheritance: Autosomal recessive inheritance. Affected: yes. Observed: 1 variant allele.

Literature cited by the submitters: PubMed 17384640 (cited by Labcorp Genetics (formerly Invitae), Labcorp); PubMed 24566671 (cited by Labcorp Genetics (formerly Invitae), Labcorp); PubMed 33977142 (cited by Labcorp Genetics (formerly Invitae), Labcorp).

NM_018122.5(DARS2):c.562C>T (p.Arg188Ter)

Gene: DARS2 (aspartyl-tRNA synthetase 2, mitochondrial; plus strand). Cytogenetic location: 1q25.1.
Variant type: single nucleotide variant.
Coding change: c.562C>T on transcript NM_018122.5 (MANE Select); coding-DNA position 562, C replaced by T.
Protein change: p.Arg188Ter; replaces arginine 188 with a stop codon.
Molecular consequence: nonsense.
Genome position (GRCh38, 1-based): chr1:173,833,445, C>T. VCF-style: chr1-173833445-C-T. GRCh37 (hg19) VCF-style: chr1-173802583-C-T.
Other names: NM_018122.5(DARS2):c.562C>T; p.Arg188Ter; c.562C>T, p.Arg188Ter (NM_001365212.1, NM_001365213.2); short protein forms R188*.
Identifiers: ClinVar variation 1256059 (VCV001256059.5), dbSNP rs751929342, ClinGen allele CA1250162.